The following is an entry in ClinVar:

NM_015466.4(PTPN23):c.1016T>G (p.Val339Gly)

Gene: PTPN23 (protein tyrosine phosphatase non-receptor type 23; plus strand). Cytogenetic location: 3p21.31.
Variant type: single nucleotide variant.
Coding change: c.1016T>G on transcript NM_015466.4 (MANE Select); coding-DNA position 1016, T replaced by G.
Protein change: p.Val339Gly; replaces valine 339 with glycine.
Molecular consequence: missense variant.
Genome position (GRCh38, 1-based): chr3:47,407,709, T>G. VCF-style: chr3-47407709-T-G. GRCh37 (hg19) VCF-style: chr3-47449199-T-G.
Other names: c.638T>G, p.Val213Gly (NM_001304482.2); short protein forms V213G, V339G.
Identifiers: ClinVar variation 3368427 (VCV003368427.1).

ClinVar aggregate classification (germline): Uncertain significance (1 of 4 stars; one submission).

Submission:

GeneDx
Classification: Uncertain significance. Last evaluated: 2024-01-28. Review status: criteria provided, single submitter. Criteria: GeneDx Variant Classification Process June 2021. Collection method: clinical testing. Allele origin: germline. Affected: yes.
Comment: Not observed at significant frequency in large population cohorts (gnomAD); In silico analysis supports that this missense variant has a deleterious effect on protein structure/function; Has not been previously published as pathogenic or benign to our knowledge